The following is an entry in ClinVar:

NM_001195626.3(MLLT10):c.1698C>T (p.Asn566=)

Gene: MLLT10 (MLLT10 histone lysine methyltransferase DOT1L cofactor; plus strand). Cytogenetic location: 10p12.31.
Variant type: single nucleotide variant.
Coding change: c.1698C>T on transcript NM_001195626.3 (MANE Select); coding-DNA position 1698, C replaced by T.
Protein change: p.Asn566=; no amino-acid change (asparagine 566 retained).
Molecular consequence: synonymous variant. On other transcripts: non-coding transcript variant (1).
Genome position (GRCh38, 1-based): chr10:21,682,256, C>T. VCF-style: chr10-21682256-C-T. GRCh37 (hg19) VCF-style: chr10-21971185-C-T.
Other names: c.963C>T, p.Asn321= (NM_001324297.2); c.1698C>T, p.Asn566= (NM_004641.4).
Identifiers: ClinVar variation 5007697 (VCV005007697.2).

ClinVar aggregate classification (germline): Uncertain significance (1 of 4 stars; one submission).

Conditions:
Acute myeloid leukemia (AML). Also called: Leukemia, acute myeloid, somatic; Acute myeloid leukemia, adult; AML adult; Acute non-lymphocytic leukemia; Acute granulocytic leukemia; Leukemia, acute myelogenous, somatic. Identifiers: Orphanet 519, MedGen C0023467, MeSH D015470, MONDO:0018874, OMIM 601626, HP:0004808. Disease mechanism: Constitutively activated FLT3.

gnomAD v4.1: 66 of 1,609,342 alleles (0.0041%); highest among the groups gnomAD compares: Middle Eastern, 0.049%; no homozygotes.

Submission:

Juno Genomics, Hangzhou Juno Genomics, Inc
Classification: Uncertain significance for Acute myeloid leukemia. Review status: criteria provided, single submitter. Criteria: ACMG Guidelines, 2015. Collection method: clinical testing. Allele origin: germline.
Comment: Absent from controls (or at extremely low frequency if recessive) in Genome Aggregation Database.;Multiple lines of computational evidence support a deleterious effect on the gene or gene product.